The following is an entry in ClinVar:

ClinVar aggregate classification (germline): Benign. Review status: criteria provided, multiple submitters, no conflicts (2 of 4 stars). 5 submissions from 5 submitters: Benign (4). 1 of the submissions does not count toward it. Last evaluated 2026-06-12.

Conditions:
Spondylocostal dysostosis 2, autosomal recessive (SCDO2). Also called: Spondylocostal dysostosis type 2; MESP2-Related Spondylocostal Dysostosis, Autosomal Recessive. Identifiers: Orphanet 2311, MedGen C1837549, MONDO:0012097, OMIM 608681.

Allele frequency attached by ClinVar (database versions not stated): ExAC 0.00908; 1000 Genomes Project 0.01558; TOPMed 0.00519; ESP Exome Variant Server 0.00017; 1000 Genomes Project 30x 0.01499; gnomAD 0.00329.

Submissions (5):

Women's Health and Genetics/Laboratory Corporation of America, LabCorp
Classification: Benign. Last evaluated: 2026-06-12. Review status: criteria provided, single submitter. Criteria: LabCorp Variant Classification Summary - May 2015. Collection method: clinical testing. Allele origin: germline.

Labcorp Genetics (formerly Invitae), Labcorp
Classification: Benign. Last evaluated: 2026-01-31. Review status: criteria provided, single submitter. Criteria: Invitae Variant Classification Sherloc (09022015). Collection method: clinical testing. Allele origin: germline.

Illumina Laboratory Services, Illumina
Classification: Benign for Spondylocostal dysostosis 2, autosomal recessive. Last evaluated: 2018-01-13. Review status: criteria provided, single submitter. Criteria: ICSL Variant Classification Criteria 13 December 2019. Collection method: clinical testing. Allele origin: germline.
Comment: This variant was observed in the ICSL laboratory as part of a predisposition screen in an ostensibly healthy population. It had not been previously curated by ICSL or reported in the Human Gene Mutation Database (HGMD: prior to June 1st, 2018), and was therefore a candidate for classification through an automated scoring system. Utilizing variant allele frequency, disease prevalence and penetrance estimates, and inheritance mode, an automated score was calculated to assess if this variant is too frequent to cause the disease. Based on the score and internal cut-off values, a variant classified as benign is not then subjected to further curation. The score for this variant resulted in a classification of benign for this disease.

Breakthrough Genomics
Classification: Benign. Review status: criteria provided, single submitter. Criteria: ACMG Guidelines, 2015. Collection method: not provided. Allele origin: germline. Inheritance: Autosomal recessive inheritance. Affected: yes.

Natera, Inc.
Classification: Benign for Spondylocostal dysostosis type 2. Last evaluated: 2020-09-16. Review status: no assertion criteria provided. Collection method: clinical testing. Allele origin: germline. Not counted in ClinVar's aggregate classification.

NM_001039958.2(MESP2):c.717G>C (p.Gly239=)

Gene: MESP2 (mesoderm posterior bHLH transcription factor 2; plus strand). Cytogenetic location: 15q26.1.
Variant type: single nucleotide variant.
Coding change: c.717G>C on transcript NM_001039958.2 (MANE Select); coding-DNA position 717, G replaced by C.
Protein change: p.Gly239=; no amino-acid change (glycine 239 retained).
Molecular consequence: synonymous variant.
Genome position (GRCh38, 1-based): chr15:89,777,074, G>C. VCF-style: chr15-89777074-G-C. GRCh37 (hg19) VCF-style: chr15-90320305-G-C.
Identifiers: ClinVar variation 317393 (VCV000317393.19), dbSNP rs181559095, ClinGen allele CA7730493.